The following is an entry in ClinVar:

ClinVar aggregate classification (germline): Benign/Likely benign. Review status: criteria provided, multiple submitters, no conflicts (2 of 4 stars). 5 submissions from 5 submitters: Benign (2); Likely benign (2). 1 of the submissions does not count toward it. Last evaluated 2026-01-19.

Conditions:
BICC1-related disorder. Also called: BICC1-related condition.

Allele frequency attached by ClinVar (database versions not stated): gnomAD exomes 0.00076 and 0.00225; ExAC 0.00266; gnomAD 0.00859 and 0.00907; 1000 Genomes Project 0.00879; 1000 Genomes Project 30x 0.00890; ESP Exome Variant Server 0.00923; TOPMed 0.00965.
gnomAD v4.1: 2,469 of 1,613,878 alleles (0.15%); highest among the groups gnomAD compares: African/African-American, 2.8%; 27 homozygotes.

Submissions (10):

Labcorp Genetics (formerly Invitae), Labcorp
Classification: Benign. Last evaluated: 2026-01-19. Review status: criteria provided, single submitter. Criteria: Invitae Variant Classification Sherloc (09022015). Collection method: clinical testing. Allele origin: germline.

Mayo Clinic Laboratories, Mayo Clinic
Classification: Benign. Last evaluated: 2023-04-03. Review status: criteria provided, single submitter. Criteria: ACMG Guidelines, 2015. Collection method: clinical testing. Allele origin: germline. Observed: 3 variant alleles.
Comment: BS1, BS2

GeneDx
Classification: Likely benign. Last evaluated: 2021-07-21. Review status: criteria provided, single submitter. Criteria: GeneDx Variant Classification Process June 2021. Collection method: clinical testing. Allele origin: germline. Affected: yes.

Breakthrough Genomics
Classification: Likely benign. Review status: criteria provided, single submitter. Criteria: ACMG Guidelines, 2015. Collection method: not provided. Allele origin: germline. Inheritance: Autosomal dominant inheritance. Affected: yes.

PreventionGenetics, part of Exact Sciences
Classification: Benign for BICC1-related condition. Last evaluated: 2024-05-16. Review status: no assertion criteria provided. Collection method: clinical testing. Allele origin: germline. Not counted in ClinVar's aggregate classification.
Comment: This variant is classified as benign based on ACMG/AMP sequence variant interpretation guidelines (Richards et al. 2015 PMID: 25741868, with internal and published modifications).

Dr. Peter K. Rogan Lab, Western University
No classification provided (evidence only). Condition: Clear cell carcinoma of kidney. Review status: no classification provided. Collection method: in vitro. Allele origin: not applicable. Functional consequence: retained intron. Not counted in ClinVar's aggregate classification.

Dr. Peter K. Rogan Lab, Western University
No classification provided (evidence only). Condition: Clear cell carcinoma of kidney. Review status: no classification provided. Collection method: in vitro. Allele origin: not applicable. Functional consequence: retained intron. Not counted in ClinVar's aggregate classification.

Dr. Peter K. Rogan Lab, Western University
No classification provided (evidence only). Condition: Clear cell carcinoma of kidney. Review status: no classification provided. Collection method: in vitro. Allele origin: not applicable. Functional consequence: retained intron. Not counted in ClinVar's aggregate classification.

Dr. Peter K. Rogan Lab, Western University
No classification provided (evidence only). Condition: Uterine corpus endometrial carcinoma. Review status: no classification provided. Collection method: in vitro. Allele origin: not applicable. Functional consequence: retained intron. Not counted in ClinVar's aggregate classification.

Dr. Peter K. Rogan Lab, Western University
No classification provided (evidence only). Condition: Cervical cancer. Review status: no classification provided. Collection method: in vitro. Allele origin: not applicable. Functional consequence: retained intron. Not counted in ClinVar's aggregate classification.

NM_001080512.3(BICC1):c.2399G>A (p.Arg800Gln)

Gene: BICC1 (BicC family RNA binding protein 1; plus strand). Cytogenetic location: 10q21.1.
Variant type: single nucleotide variant.
Coding change: c.2399G>A on transcript NM_001080512.3 (MANE Select); coding-DNA position 2399, G replaced by A.
Protein change: p.Arg800Gln; replaces arginine 800 with glutamine.
Molecular consequence: missense variant.
Genome position (GRCh38, 1-based): chr10:58,813,852, G>A. VCF-style: chr10-58813852-G-A. GRCh37 (hg19) VCF-style: chr10-60573612-G-A.
Other names: p.Arg800Gln; short protein forms R800Q.
Identifiers: ClinVar variation 1192766 (VCV001192766.15), dbSNP rs111922761, ClinGen allele CA5508797.